The following is an entry in ClinVar:

ClinVar aggregate classification (germline): Uncertain significance (1 of 4 stars; one submission).

Conditions:
Primary ciliary dyskinesia. Also called: Ciliary dyskinesia. Identifiers: Orphanet 244, MedGen C0008780, MONDO:0016575, HP:0012265.

Submission:

Labcorp Genetics (formerly Invitae), Labcorp
Classification: Uncertain significance for Primary ciliary dyskinesia. Last evaluated: 2020-05-21. Review status: criteria provided, single submitter. Criteria: Invitae Variant Classification Sherloc (09022015). Collection method: clinical testing. Allele origin: germline.
Comment: In summary, the available evidence is currently insufficient to determine the role of this variant in disease. Therefore, it has been classified as a Variant of Uncertain Significance. Algorithms developed to predict the effect of missense changes on protein structure and function are either unavailable or do not agree on the potential impact of this missense change (SIFT: "Tolerated"; PolyPhen-2: "Not Available"; Align-GVGD: "Class C0"). This variant has not been reported in the literature in individuals with DNAH8-related conditions. This variant is not present in population databases (ExAC no frequency). This sequence change replaces serine with threonine at codon 891 of the DNAH8 protein (p.Ser891Thr). The serine residue is moderately conserved and there is a small physicochemical difference between serine and threonine.

NM_001206927.2(DNAH8):c.2671T>A (p.Ser891Thr)

Gene: DNAH8 (dynein axonemal heavy chain 8; plus strand). Cytogenetic location: 6p21.2.
Variant type: single nucleotide variant.
Coding change: c.2671T>A on transcript NM_001206927.2 (MANE Select); coding-DNA position 2671, T replaced by A.
Protein change: p.Ser891Thr; replaces serine 891 with threonine.
Molecular consequence: missense variant.
Genome position (GRCh38, 1-based): chr6:38,790,295, T>A. VCF-style: chr6-38790295-T-A. GRCh37 (hg19) VCF-style: chr6-38758071-T-A.
Other names: c.2020T>A, p.Ser674Thr (NM_001371.4); short protein forms S674T, S891T.
Identifiers: ClinVar variation 1017051 (VCV001017051.9), dbSNP rs1769598046, ClinGen allele CA363990712.